The following is an entry in ClinVar:

NM_017780.4(CHD7):c.6632C>T (p.Ala2211Val)

Gene: CHD7 (chromodomain helicase DNA binding protein 7; plus strand). Cytogenetic location: 8q12.2.
Variant type: single nucleotide variant.
Coding change: c.6632C>T on transcript NM_017780.4 (MANE Select); coding-DNA position 6632, C replaced by T.
Protein change: p.Ala2211Val; replaces alanine 2211 with valine.
Molecular consequence: missense variant. On other transcripts: intron variant (1).
Genome position (GRCh38, 1-based): chr8:60,853,357, C>T. VCF-style: chr8-60853357-C-T. GRCh37 (hg19) VCF-style: chr8-61765916-C-T.
Other names: c.1717-8872C>T (NM_001316690.1); short protein forms A2211V.
Identifiers: ClinVar variation 589697 (VCV000589697.8), dbSNP rs1398262614, ClinGen allele CA371325990.

ClinVar aggregate classification (germline): Uncertain significance. Review status: criteria provided, multiple submitters, no conflicts (2 of 4 stars). 2 submissions from 2 submitters: Uncertain significance (2). Last evaluated 2025-01-27.

Conditions:
Inborn genetic diseases. Identifiers: MedGen C0950123, MeSH D030342.
CHARGE syndrome (CHARGE). Also called: Coloboma, heart anomaly, choanal atresia, retardation, genital and ear anomalies; CHARGE association; Hall-Hittner syndrome; Hittner Hirsch Kreh syndrome; CHARGE ASSOCIATION--COLOBOMA, HEART ANOMALY, CHOANAL ATRESIA, RETARDATION, GENITAL AND EAR ANOMALIES. Identifiers: Orphanet 138, MedGen C0265354, MONDO:0008965.

Allele frequency attached by ClinVar (database versions not stated): gnomAD 0.00001; TOPMed 0.00002.
gnomAD v4.1: 5 of 1,566,556 alleles (0.00032%); highest among the groups gnomAD compares: African/African-American, 0.0014%; no homozygotes.

Submissions (2):

Labcorp Genetics (formerly Invitae), Labcorp
Classification: Uncertain significance for CHARGE syndrome. Last evaluated: 2025-01-27. Review status: criteria provided, single submitter. Criteria: Invitae Variant Classification Sherloc (09022015). Collection method: clinical testing. Allele origin: germline.
Comment: This sequence change replaces alanine, which is neutral and non-polar, with valine, which is neutral and non-polar, at codon 2211 of the CHD7 protein (p.Ala2211Val). This variant is not present in population databases (gnomAD no frequency). This variant has not been reported in the literature in individuals affected with CHD7-related conditions. ClinVar contains an entry for this variant (Variation ID: 589697). Invitae Evidence Modeling of protein sequence and biophysical properties (such as structural, functional, and spatial information, amino acid conservation, physicochemical variation, residue mobility, and thermodynamic stability) indicates that this missense variant is not expected to disrupt CHD7 protein function with a negative predictive value of 95%. In summary, the available evidence is currently insufficient to determine the role of this variant in disease. Therefore, it has been classified as a Variant of Uncertain Significance.

Ambry Genetics
Classification: Uncertain significance for Inborn genetic diseases. Last evaluated: 2016-09-06. Review status: criteria provided, single submitter. Criteria: Ambry Variant Classification Scheme 2023. Collection method: clinical testing. Allele origin: germline.
Comment: The p.A2211V variant (also known as c.6632C>T), located in coding exon 30 of the CHD7 gene, results from a C to T substitution at nucleotide position 6632. The alanine at codon 2211 is replaced by valine, an amino acid with similar properties. This variant was not reported in population based cohorts in the following databases: Database of Single Nucleotide Polymorphisms (dbSNP), NHLBI Exome Sequencing Project (ESP), and 1000 Genomes Project. In the ESP, this variant was not observed in 6178 samples (12356 alleles) with coverage at this position. This amino acid position is not well conserved in available vertebrate species. In addition, this alteration is predicted to be tolerated by in silico analysis. Since supporting evidence is limited at this time, the clinical significance of this variant remains unclear.